The following is an entry in ClinVar:

NM_000059.4(BRCA2):c.23G>A (p.Arg8Lys)

Gene: BRCA2 (BRCA2 DNA repair associated; plus strand). Cytogenetic location: 13q13.1.
Variant type: single nucleotide variant.
Coding change: c.23G>A on transcript NM_000059.4 (MANE Select); coding-DNA position 23, G replaced by A.
Protein change: p.Arg8Lys; replaces arginine 8 with lysine.
Molecular consequence: missense variant.
Genome position (GRCh38, 1-based): chr13:32,316,483, G>A. VCF-style: chr13-32316483-G-A. GRCh37 (hg19) VCF-style: chr13-32890620-G-A.
Other names: short protein forms R8K.
Identifiers: ClinVar variation 947251 (VCV000947251.11), dbSNP rs2072261141, ClinGen allele CA387752963.

ClinVar aggregate classification (germline): Conflicting classifications of pathogenicity. Review status: criteria provided, conflicting classifications (1 of 4 stars). 2 submissions from 2 submitters: Uncertain significance (1); Likely benign (1). Last evaluated 2024-12-12.

Conditions:
Hereditary breast ovarian cancer syndrome. Also called: Hereditary breast and/or ovarian cancer syndrome; Hereditary breast and ovarian cancer syndrome; Hereditary breast and ovarian cancer syndrome (HBOC); Breast and ovarian cancer; BRCA1- and BRCA2-Associated Hereditary Breast and Ovarian Cancer; Hereditary breast and ovarian cancer. Identifiers: Orphanet 145, MedGen C0677776, MeSH D061325, MONDO:0003582. Disease mechanism: loss of function.
Hereditary cancer-predisposing syndrome. Also called: Hereditary neoplastic syndrome; Neoplastic Syndromes, Hereditary; Tumor predisposition; Hereditary Cancer Syndrome. Identifiers: Orphanet 140162, MedGen C0027672, MeSH D009386, MONDO:0015356.

Allele frequency attached by ClinVar (database versions not stated): gnomAD exomes below 0.00001.
gnomAD v4.1: 1 of 1,613,990 alleles (0.000062%); highest among the groups gnomAD compares: Non-Finnish European, 0.000085%; no homozygotes.

Submissions (2):

Ambry Genetics
Classification: Likely benign for Hereditary cancer-predisposing syndrome. Last evaluated: 2024-12-12. Review status: criteria provided, single submitter. Criteria: Ambry Variant Classification Scheme 2023. Collection method: clinical testing. Allele origin: germline.

Labcorp Genetics (formerly Invitae), Labcorp
Classification: Uncertain significance for Hereditary breast ovarian cancer syndrome. Last evaluated: 2019-07-26. Review status: criteria provided, single submitter. Criteria: Invitae Variant Classification Sherloc (09022015). Collection method: clinical testing. Allele origin: germline.
Comment: In summary, the available evidence is currently insufficient to determine the role of this variant in disease. Therefore, it has been classified as a Variant of Uncertain Significance. Algorithms developed to predict the effect of missense changes on protein structure and function output the following: SIFT: "Tolerated"; PolyPhen-2: "Benign"; Align-GVGD: "Class C0". The lysine amino acid residue is found in multiple mammalian species, suggesting that this missense change does not adversely affect protein function. These predictions have not been confirmed by published functional studies and their clinical significance is uncertain. This variant has not been reported in the literature in individuals with BRCA2-related conditions. This variant is not present in population databases (ExAC no frequency). This sequence change replaces arginine with lysine at codon 8 of the BRCA2 protein (p.Arg8Lys). The arginine residue is moderately conserved and there is a small physicochemical difference between arginine and lysine.